The following is an entry in ClinVar:

ClinVar aggregate classification (germline): Uncertain significance (1 of 4 stars; one submission).

Conditions:
Hajdu-Cheney syndrome (HJCYS). Also called: SERPENTINE FIBULA-POLYCYSTIC KIDNEY SYNDROME; Acroosteolysis dominant type; ACROOSTEOLYSIS WITH OSTEOPOROSIS AND CHANGES IN SKULL AND MANDIBLE. Identifiers: Orphanet 955, MedGen C0917715, MONDO:0007057, OMIM 102500.

Submission:

Labcorp Genetics (formerly Invitae), Labcorp
Classification: Uncertain significance for Hajdu-Cheney syndrome. Last evaluated: 2025-04-18. Review status: criteria provided, single submitter. Criteria: Invitae Variant Classification Sherloc (09022015). Collection method: clinical testing. Allele origin: germline.
Comment: This sequence change falls in intron 10 of the NOTCH2 gene. It does not directly change the encoded amino acid sequence of the NOTCH2 protein. This variant is not present in population databases (gnomAD no frequency). This variant has not been reported in the literature in individuals affected with NOTCH2-related conditions. ClinVar contains an entry for this variant (Variation ID: 2913423). Experimental studies and prediction algorithms are not available or were not evaluated, and the effect of this variant on mRNA splicing is currently unknown. In summary, the available evidence is currently insufficient to determine the role of this variant in disease. Therefore, it has been classified as a Variant of Uncertain Significance.

NM_024408.4(NOTCH2):c.1681+16_1681+29del

Gene: NOTCH2 (notch receptor 2; minus strand). Cytogenetic location: 1p12.
Variant type: Deletion.
Coding change: c.1681+16_1681+29del on transcript NM_024408.4 (MANE Select); bases 16 to 29 of the intron after coding-DNA position 1681, 14 bases deleted (CTTTTCATCTCCTT).
Molecular consequence: intron variant.
Genome position (GRCh38, 1-based): chr1:119,965,424-119,965,437, AAGGAGATGAAAAG deleted on the plus strand (CTTTTCATCTCCTT on the coding strand, the reverse complement: NOTCH2 is on the minus strand). VCF-style (leftmost placement, unchanged base first): chr1-119965423-CAAGGAGATGAAAAG-C. GRCh37 (hg19) VCF-style: chr1-120508046-CAAGGAGATGAAAAG-C.
Other names: c.1681+16_1681+29del (NM_001200001.2).
Identifiers: ClinVar variation 2913423 (VCV002913423.3), dbSNP rs1354423843, ClinGen allele CA886302014.